The following is an entry in ClinVar:

NM_001276270.2(MBD4):c.1417T>C (p.Trp473Arg)

Gene: MBD4 (methyl-CpG binding domain 4, DNA glycosylase; minus strand). Cytogenetic location: 3q21.3.
Variant type: single nucleotide variant.
Coding change: c.1417T>C on transcript NM_001276270.2 (MANE Select); coding-DNA position 1417, T replaced by C.
Protein change: p.Trp473Arg; replaces tryptophan 473 with arginine.
Molecular consequence: missense variant.
Genome position (GRCh38, 1-based): chr3:129,433,224, A>G on the plus strand (T>C on the coding strand, the complement: MBD4 is on the minus strand). VCF-style: chr3-129433224-A-G. GRCh37 (hg19) VCF-style: chr3-129152067-A-G.
Other names: c.1435T>C, p.Trp479Arg (NM_001276271.2, NM_001276272.2, NM_003925.3); c.481T>C, p.Trp161Arg (NM_001276273.2); short protein forms W479R, W473R, W161R.
Identifiers: ClinVar variation 4728790 (VCV004728790.1).

ClinVar aggregate classification (germline): Uncertain significance (1 of 4 stars; one submission).

gnomAD v4.1: 1 of 1,614,240 alleles (0.000062%); highest among the groups gnomAD compares: Non-Finnish European, 0.000085%; no homozygotes.

Submission:

Labcorp Genetics (formerly Invitae), Labcorp
Classification: Uncertain significance. Last evaluated: 2025-10-09. Review status: criteria provided, single submitter. Criteria: Invitae Variant Classification Sherloc (09022015). Collection method: clinical testing. Allele origin: germline.
Comment: This sequence change replaces tryptophan, which is neutral and slightly polar, with arginine, which is basic and polar, at codon 479 of the MBD4 protein (p.Trp479Arg). This variant is not present in population databases (gnomAD no frequency). This variant has not been reported in the literature in individuals affected with MBD4-related conditions. An algorithm developed to predict the effect of missense changes on protein structure and function (PolyPhen-2) suggests that this variant is likely to be disruptive. In summary, the available evidence is currently insufficient to determine the role of this variant in disease. Therefore, it has been classified as a Variant of Uncertain Significance.